The following is an entry in ClinVar:

ClinVar aggregate classification (germline): Uncertain significance (1 of 4 stars; one submission).

Allele frequency attached by ClinVar (database versions not stated): TOPMed below 0.00001; gnomAD 0.00001.

Submission:

Labcorp Genetics (formerly Invitae), Labcorp
Classification: Uncertain significance. Last evaluated: 2023-08-04. Review status: criteria provided, single submitter. Criteria: Invitae Variant Classification Sherloc (09022015). Collection method: clinical testing. Allele origin: germline.
Comment: This sequence change replaces serine, which is neutral and polar, with alanine, which is neutral and non-polar, at codon 205 of the CTDP1 protein (p.Ser205Ala). This variant is present in population databases (no rsID available, gnomAD 0.01%). This variant has not been reported in the literature in individuals affected with CTDP1-related conditions. ClinVar contains an entry for this variant (Variation ID: 2113999). An algorithm developed to predict the effect of missense changes on protein structure and function (PolyPhen-2) suggests that this variant is likely to be disruptive. In summary, the available evidence is currently insufficient to determine the role of this variant in disease. Therefore, it has been classified as a Variant of Uncertain Significance.

NM_004715.5(CTDP1):c.613T>G (p.Ser205Ala)

Gene: CTDP1 (CTD phosphatase subunit 1; plus strand). Cytogenetic location: 18q23.
Variant type: single nucleotide variant.
Coding change: c.613T>G on transcript NM_004715.5 (MANE Select); coding-DNA position 613, T replaced by G.
Protein change: p.Ser205Ala; replaces serine 205 with alanine.
Molecular consequence: missense variant.
Genome position (GRCh38, 1-based): chr18:79,697,980, T>G. VCF-style: chr18-79697980-T-G. GRCh37 (hg19) VCF-style: chr18-77457980-T-G.
Other names: c.256T>G, p.Ser86Ala (NM_001202504.1); c.613T>G, p.Ser205Ala (NM_001318511.2, NM_048368.4); short protein forms S205A, S86A.
Identifiers: ClinVar variation 2113999 (VCV002113999.4), dbSNP rs1186407060, ClinGen allele CA402829557.
Genomic context (GRCh38, chr18:79,697,980, plus strand): 5'-CTCATGGTGGACTTGGACCAGACGTTGATTCACACAACCGAGCAGCACTGTCAGCAGATG[T>G]CGAATAAAGTGAGTGCAGTCAGCATCTACGGACAGTTTCCCAGGAACCGCGGGTCCTAGA-3'
Protein context (NP_004706.3, residues 195-215): HTTEQHCQQM[Ser205Ala]NKGIFHFQLG